The following is an entry in ClinVar:

ClinVar aggregate classification (germline): Uncertain significance (1 of 4 stars; one submission).

Conditions:
Hereditary breast ovarian cancer syndrome. Also called: Hereditary breast and ovarian cancer syndrome; Hereditary breast and ovarian cancer syndrome (HBOC); BRCA1- and BRCA2-Associated Hereditary Breast and Ovarian Cancer; Hereditary breast and ovarian cancer; Breast and ovarian cancer; Hereditary breast and/or ovarian cancer syndrome. Identifiers: Orphanet 145, MedGen C0677776, MeSH D061325, MONDO:0003582. Disease mechanism: loss of function.

Submission:

Labcorp Genetics (formerly Invitae), Labcorp
Classification: Uncertain significance for Hereditary breast ovarian cancer syndrome. Last evaluated: 2024-03-09. Review status: criteria provided, single submitter. Criteria: Invitae Variant Classification Sherloc (09022015). Collection method: clinical testing. Allele origin: germline.
Comment: This sequence change replaces glutamic acid, which is acidic and polar, with glycine, which is neutral and non-polar, at codon 612 of the BRCA2 protein (p.Glu612Gly). This variant is not present in population databases (gnomAD no frequency). This variant has not been reported in the literature in individuals affected with BRCA2-related conditions. Advanced modeling of protein sequence and biophysical properties (such as structural, functional, and spatial information, amino acid conservation, physicochemical variation, residue mobility, and thermodynamic stability) performed at Invitae indicates that this missense variant is not expected to disrupt BRCA2 protein function with a negative predictive value of 95%. In summary, the available evidence is currently insufficient to determine the role of this variant in disease. Therefore, it has been classified as a Variant of Uncertain Significance.

NM_000059.4(BRCA2):c.1835A>G (p.Glu612Gly)

Gene: BRCA2 (BRCA2 DNA repair associated; plus strand). Cytogenetic location: 13q13.1.
Variant type: single nucleotide variant.
Coding change: c.1835A>G on transcript NM_000059.4 (MANE Select); coding-DNA position 1835, A replaced by G.
Protein change: p.Glu612Gly; replaces glutamic acid 612 with glycine.
Molecular consequence: missense variant. On other transcripts: non-coding transcript variant (1), intron variant (1).
Genome position (GRCh38, 1-based): chr13:32,333,313, A>G. VCF-style: chr13-32333313-A-G. GRCh37 (hg19) VCF-style: chr13-32907450-A-G.
Other names: c.1835A>G, p.Glu612Gly (NM_001406719.1, NM_001406720.1, NM_001406721.1 and 1 more transcripts); c.424+2283A>G (NM_001406722.1); short protein forms E612G.
Identifiers: ClinVar variation 3636434 (VCV003636434.2).